The following is an entry in ClinVar:

NM_001080449.3(DNA2):c.2127C>G (p.Ile709Met)

Gene: DNA2 (DNA replication helicase/nuclease 2; minus strand). Cytogenetic location: 10q21.3.
Variant type: single nucleotide variant.
Coding change: c.2127C>G on transcript NM_001080449.3 (MANE Select); coding-DNA position 2127, C replaced by G.
Protein change: p.Ile709Met; replaces isoleucine 709 with methionine.
Molecular consequence: missense variant. On other transcripts: non-coding transcript variant (1).
Genome position (GRCh38, 1-based): chr10:68,430,517, G>C on the plus strand (C>G on the coding strand, the complement: DNA2 is on the minus strand). VCF-style: chr10-68430517-G-C. GRCh37 (hg19) VCF-style: chr10-70190274-G-C.
Other names: short protein forms I709M.
Identifiers: ClinVar variation 4775854 (VCV004775854.1).

ClinVar aggregate classification (germline): Uncertain significance (1 of 4 stars; one submission).

gnomAD v4.1: 3 of 1,611,942 alleles (0.00019%); highest among the groups gnomAD compares: Non-Finnish European, 0.00025%; no homozygotes.

Submission:

Labcorp Genetics (formerly Invitae), Labcorp
Classification: Uncertain significance. Last evaluated: 2025-11-21. Review status: criteria provided, single submitter. Criteria: Invitae Variant Classification Sherloc (09022015). Collection method: clinical testing. Allele origin: germline.
Comment: This sequence change replaces isoleucine, which is neutral and non-polar, with methionine, which is neutral and non-polar, at codon 709 of the DNA2 protein (p.Ile709Met). This variant is not present in population databases (gnomAD no frequency). This variant has not been reported in the literature in individuals affected with DNA2-related conditions. Invitae Evidence Modeling of protein sequence and biophysical properties (such as structural, functional, and spatial information, amino acid conservation, physicochemical variation, residue mobility, and thermodynamic stability) indicates that this missense variant is expected to disrupt DNA2 protein function with a positive predictive value of 80%. In summary, the available evidence is currently insufficient to determine the role of this variant in disease. Therefore, it has been classified as a Variant of Uncertain Significance.